The following continues an entry in ClinVar:

NM_000540.3(RYR1):c.131G>A (p.Arg44His)

Gene: RYR1. ClinVar aggregate classification (germline): Uncertain significance. Uncertain significance (1).

Submissions 6 to 18 of 18:

Labcorp Genetics (formerly Invitae), Labcorp
Classification: Pathogenic for RYR1-related disorder. Last evaluated: 2025-11-11. Review status: criteria provided, single submitter. Criteria: Invitae Variant Classification Sherloc (09022015). Collection method: clinical testing. Allele origin: germline. Not counted in ClinVar's aggregate classification.
Comment: This sequence change replaces arginine, which is basic and polar, with histidine, which is basic and polar, at codon 44 of the RYR1 protein (p.Arg44His). This variant is present in population databases (rs139161723, gnomAD 0.007%). This missense change has been observed in individuals with autosomal dominant malignant hyperthermia (PMID: 16835904, 16917943; internal data). This variant has been reported in individual(s) with autosomal recessive congenital myopathy (internal data); however, the role of the variant in this condition is currently unclear. ClinVar contains an entry for this variant (Variation ID: 133046). Invitae Evidence Modeling of protein sequence and biophysical properties (such as structural, functional, and spatial information, amino acid conservation, physicochemical variation, residue mobility, and thermodynamic stability) indicates that this missense variant is expected to disrupt RYR1 protein function with a positive predictive value of 95%. For these reasons, this variant has been classified as Pathogenic.

Clinical Genomics Laboratory, Washington University in St. Louis
Classification: Likely pathogenic for Malignant hyperthermia, susceptibility to, 1. Last evaluated: 2025-09-04. Review status: criteria provided, single submitter. Criteria: ACMG Guidelines, 2015. Collection method: clinical testing. Allele origin: germline. Affected: yes. Not counted in ClinVar's aggregate classification.
Comment: The RYR1 c.131G>A (p.Arg44His) variant has been reported in at least two individuals or families affected with malignant hyperthermia and is reported to segregate with disease in at least one related individual in a family (Galli L et al., PMID: 16835904; Miller DM et al., PMID: 30236257; Tammaro A et al., PMID: 12709367). The variant has also been described in at least two individuals with suspected myopathy (Nishikawa A et al., PMID: 27600705; Radziwonik-Fraczyk W et al., PMID: 38758368). This variant has been reported in the ClinVar database as a germline pathogenic or likely pathogenic variant by 7 submitters and a variant of uncertain significance by 4 submitters including an expert panel. This variant is only observed in 3/242,016 alleles in the general population (gnomAD v.2.1.1), indicating it is not a common variant. This variant resides within a region, amino acids 1-552, of RYR1 that is defined as a critical functional domain and computational predictors indicate that the variant is damaging, evidence that correlates with impact to ryanodine receptor function. Additionally, another variant in the same codon, p.Arg44Cys, is classified as likely pathogenic by an expert panel (ClinVar Variation ID: 133045). Based on available information and the ClinGen Malignant Hyperthermia Susceptibility Expert Panel Specifications to the ACMG/AMP Variant Interpretation Guidelines for RYR1 Version 2, this variant is classified as likely pathogenic.

3billion
Classification: Uncertain significance for RYR1-related disorder. Last evaluated: 2025-07-07. Review status: criteria provided, single submitter. Criteria: ACMG Guidelines, 2015. Collection method: clinical testing. Allele origin: germline. Affected: yes. Not counted in ClinVar's aggregate classification.
Comment: The variant is observed at an extremely low frequency in the gnomAD v4.1.0 dataset (total allele frequency: 0.001%). Predicted Consequence/Location: The variant is located in a mutational hot spot and/or well-established functional domain in which established pathogenic variants have been reported (PMID: 33767344). In silico tool predictions suggest damaging effect of the variant on gene or gene product [REVEL: 0.93 (>=0.6, sensitivity 0.68 and specificity 0.92); 3Cnet: 0.91 (> 0.75, sensitivity 0.96 and precision 0.92)]. The same nucleotide change resulting in the same amino acid change has been previously reported as pathogenic/likely pathogenic with strong evidence (ClinVar ID: VCV000133046 /PMID: None). Different missense changes at the same codon (p.Arg44Cys, p.Arg44Pro) have been reported as pathogenic/likely pathogenic with strong evidence (ClinVar ID: VCV000133045, VCV002829750 /PMID: 12709367). Therefore, this variant is classified as VUS according to the recommendation of ACMG/AMP guideline.

GeneDx
Classification: Likely pathogenic. Last evaluated: 2025-06-17. Review status: criteria provided, single submitter. Criteria: GeneDx Variant Classification Process June 2021. Collection method: clinical testing. Allele origin: germline. Affected: yes. Not counted in ClinVar's aggregate classification.
Comment: Reported in association with malignant hyperthermia (PMID: 16917943, 16835904, 30236257); Reported in an individual with hyperCKemia and minimal myopathic changes on muscle biopsy, however, detailed clinical and segregation information was not provided (PMID: 37510298); In silico analysis supports that this missense variant has a deleterious effect on protein structure/function; Not observed at significant frequency in large population cohorts (gnomAD); This variant is associated with the following publications: (PMID: 20301325, 25637381, 16835904, 16917943, 30236257, 37510298, 12709367, 24433488, 23459219, 33767344, 39911440, 38758368)

Institute of Human Genetics, University of Leipzig Medical Center
Classification: Likely pathogenic for Malignant hyperthermia, susceptibility to, 1. Last evaluated: 2025-05-19. Review status: criteria provided, single submitter. Criteria: ACMG Guidelines, 2015. Collection method: clinical testing. Allele origin: unknown. Inheritance: Autosomal dominant inheritance. Affected: yes. Not counted in ClinVar's aggregate classification.
Comment: Criteria applied: PM5,PP3_MOD,PS4_SUP,PM1_SUP.

All of Us Research Program, National Institutes of Health
Classification: Likely pathogenic for Malignant hyperthermia, susceptibility to, 1. Last evaluated: 2023-07-19. Review status: criteria provided, single submitter. Criteria: ACMG Guidelines, 2015. Collection method: clinical testing. Allele origin: germline. Inheritance: Autosomal dominant inheritance. Observed: 1 variant allele, 1 heterozygote. Not counted in ClinVar's aggregate classification.
Comment: This missense variant replaces arginine with histidine at codon 44 of the RYR1 protein. Computational prediction suggests that this variant may have deleterious impact on protein structure and function (internally defined REVEL score threshold >= 0.7, PMID: 27666373). Although functional studies have not been reported for this variant, it occurs in a region of RYR1 considered to be a hotspot for pathogenic variants that contribute to malignant hyperthermia susceptibility (PMID: 21118704). This variant has been reported in three individuals affected with malignant hyperthermia susceptibility or with a history of a malignant hyperthermia event (PMID: 16835904, 16917943, 30236257, ClinVar: SCV000659808.3). This variant has been identified in 3/242016 chromosomes in the general population by the Genome Aggregation Database (gnomAD). A different variant affecting the same codon, c.130C>T (p.Arg44Cys), is considered pathogenic (ClinVar Variation ID: 133045), indicating that Arg at this position is important for RYR1 protein function. Based on the available evidence, this variant is classified as Likely Pathogenic.

This study involves interpretation of variants in research participants for the purpose of population health screening. Participant phenotype was not available at the time of variant classification. Additional details can be found in publication PMID: 35346344, PMCID: PMC8962531

CeGaT Center for Human Genetics Tuebingen
Classification: Likely pathogenic. Last evaluated: 2018-08-01. Review status: criteria provided, single submitter. Criteria: CeGaT Center For Human Genetics Tuebingen Variant Classification Criteria Version 2. Collection method: clinical testing. Allele origin: germline. Affected: yes. Observed: 1 variant allele. Not counted in ClinVar's aggregate classification.

Laboratory for Molecular Medicine, Mass General Brigham Personalized Medicine
Classification: Uncertain significance for Malignant hyperthermia of anesthesia. Last evaluated: 2018-04-12. Review status: criteria provided, single submitter. Criteria: ACMG Guidelines, 2015. Collection method: clinical testing. Allele origin: germline. Inheritance: Autosomal unknown. Not counted in ClinVar's aggregate classification.
Comment: The p.Arg44His variant in RYR1 has been reported in 2 European individuals with malignant hyperthermia (MH; Galli 2006, Robinson 2006). This variant has been identified in 1/14292 African chromosomes and in 2/106944 European chromosomes by the Genome Aggregation Database (gnomAD; dbSNP rs139161723). This frequency is consistent with the frequency of MH in the general population. Computational prediction tools and conservation analysis suggest that the p.Arg44His variant may impact the protein, though this information is not predictive enough to determine pathogenicity. In summary, while there is some suspicion for a pathogenic role, the clinical significance of the p.Arg44His variant is uncertain. ACMG/AMP Criteria applied (Richards 2015): PM2; PP3; PS4_Supporting.

Rady Children's Institute for Genomic Medicine, Rady Children's Hospital San Diego
Classification: Pathogenic for CENTRAL CORE DISEASE, AUTOSOMAL RECESSIVE. Last evaluated: 2017-11-30. Review status: criteria provided, single submitter. Criteria: ACMG Guidelines, 2015. Collection method: clinical testing. Allele origin: germline. Affected: yes. Observed: 1 variant allele. Not counted in ClinVar's aggregate classification.
Comment: This variant has previously been reported in the literature and by clinical laboratories in ClinVar as pathogenic or likely pathogenic (PMID: 16917943, 16835904) (ClinVar Variation ID 133046). There p.Arg44His variant has not been functionally characterized, but a different amino acid substitution at the same position (p.Arg44Cys) has functional evidence supporting the damaging effect on protein function (PMID: 23422674, 23459219, 12709367). RYR1 is missense intolerant, and in silico models predict the variant to be deleterious. The variant occurs at a highly conserved residue among vertebrates. It is present in the heterozygous state in the gnomAD population database at a frequency of 0.0012% (3/242016) and thus is presumed to be rare. Based on the combined evidence, the variant is classified as pathogenic.

Athena Diagnostics
Classification: Uncertain significance. Last evaluated: 2017-06-05. Review status: criteria provided, single submitter. Criteria: Athena Diagnostics Criteria. Collection method: clinical testing. Allele origin: germline. Not counted in ClinVar's aggregate classification.

PreventionGenetics, part of Exact Sciences
Classification: Likely pathogenic. Last evaluated: 2013-11-19. Review status: criteria provided, single submitter. Criteria: ACMG Guidelines, 2015. Collection method: clinical testing. Allele origin: germline. Not counted in ClinVar's aggregate classification.

CSER _CC_NCGL, University of Washington
Classification: Uncertain significance for Malignant hyperthermia. Last evaluated: 2014-06-01. Review status: no assertion criteria provided. Collection method: research. Allele origin: germline. Inheritance: Autosomal dominant inheritance. Study: ESP 6500 variant annotation. Not counted in ClinVar's aggregate classification.
Comment: Variants classified for the Actionable exomic incidental findings in 6503 participants: challenges of variant classification manuscript

RYR1 database
No classification provided. Review status: no classification provided. Collection method: not provided. Allele origin: unknown. Not counted in ClinVar's aggregate classification.

Literature cited by the submitters: PubMed 12709367 (cited by 3 submitters); PubMed 16835904 (cited by 7 submitters); PubMed 16917943 (cited by 6 submitters); PubMed 23422674 (cited by Ambry Genetics); PubMed 23585572 (cited by Ambry Genetics); PubMed 24433488 (cited by Ambry Genetics); PubMed 27600705 (cited by Ambry Genetics); PubMed 30208288 (cited by Ambry Genetics); PubMed 30236257 (cited by 3 submitters); PubMed 38758368 (cited by Ambry Genetics and Women's Health and Genetics/Laboratory Corporation of America, LabCorp); PubMed 41153347 (cited by Ambry Genetics and Color Diagnostics, LLC DBA Color Health); PubMed 39911440 (cited by Women's Health and Genetics/Laboratory Corporation of America, LabCorp); DOI 10.1002/humu.20356 (cited by Department of Pathophysiology and Transplantation, IRCCS Foundation Ca' Granda Ospedale Maggiore Policlinico); DOI 10.1002/humu.9442 (cited by Department of Pathophysiology and Transplantation, IRCCS Foundation Ca' Granda Ospedale Maggiore Policlinico); PubMed 21118704 (cited by All of Us Research Program, National Institutes of Health); PubMed 25637381 (cited by Laboratory for Molecular Medicine, Mass General Brigham Personalized Medicine and Athena Diagnostics).